The following is an entry in ClinVar:

NM_001206927.2(DNAH8):c.12416A>G (p.Asn4139Ser)

Genes: DNAH8 (dynein axonemal heavy chain 8; plus strand), DNAH8-AS1 (DNAH8 antisense RNA 1; minus strand). Cytogenetic location: 6p21.2.
Variant type: single nucleotide variant.
Coding change: c.12416A>G on transcript NM_001206927.2 (MANE Select); coding-DNA position 12416, A replaced by G.
Protein change: p.Asn4139Ser; replaces asparagine 4139 with serine.
Molecular consequence: missense variant.
Genome position (GRCh38, 1-based): chr6:38,951,485, A>G. VCF-style: chr6-38951485-A-G. GRCh37 (hg19) VCF-style: chr6-38919261-A-G.
Other names: c.11765A>G, p.Asn3922Ser (NM_001371.4); c.12416A>G (NM_001206927.1); short protein forms N4139S, N3922S.
Identifiers: ClinVar variation 1498125 (VCV001498125.5), dbSNP rs775711015, ClinGen allele CA3791330.

ClinVar aggregate classification (germline): Uncertain significance. Review status: criteria provided, multiple submitters, no conflicts (2 of 4 stars). 2 submissions from 2 submitters: Uncertain significance (2). Last evaluated 2025-12-15.

Conditions:
Primary ciliary dyskinesia. Also called: Ciliary dyskinesia. Identifiers: Orphanet 244, MedGen C0008780, MONDO:0016575, HP:0012265.

Allele frequency attached by ClinVar (database versions not stated): ExAC 0.00002; TOPMed 0.00004; gnomAD exomes 0.00005 and 0.00006; gnomAD 0.00007.
gnomAD v4.1: 91 of 1,613,950 alleles (0.0056%); highest among the groups gnomAD compares: Non-Finnish European, 0.0072%; no homozygotes.

Submissions (2):

Ambry Genetics
Classification: Uncertain significance. Last evaluated: 2025-12-15. Review status: criteria provided, single submitter. Criteria: Ambry Variant Classification Scheme 2023. Collection method: clinical testing. Allele origin: germline.

Labcorp Genetics (formerly Invitae), Labcorp
Classification: Uncertain significance for Primary ciliary dyskinesia. Last evaluated: 2025-09-27. Review status: criteria provided, single submitter. Criteria: Invitae Variant Classification Sherloc (09022015). Collection method: clinical testing. Allele origin: germline.
Comment: This sequence change replaces asparagine, which is neutral and polar, with serine, which is neutral and polar, at codon 4139 of the DNAH8 protein (p.Asn4139Ser). This variant is present in population databases (rs775711015, gnomAD 0.009%). This variant has not been reported in the literature in individuals affected with DNAH8-related conditions. ClinVar contains an entry for this variant (Variation ID: 1498125). Invitae Evidence Modeling of protein sequence and biophysical properties (such as structural, functional, and spatial information, amino acid conservation, physicochemical variation, residue mobility, and thermodynamic stability) indicates that this missense variant is not expected to disrupt DNAH8 protein function with a negative predictive value of 80%. In summary, the available evidence is currently insufficient to determine the role of this variant in disease. Therefore, it has been classified as a Variant of Uncertain Significance.